The following is an entry in ClinVar:

NM_001379081.2(FREM1):c.2170C>T (p.His724Tyr)

Gene: FREM1 (FRAS1 related extracellular matrix 1; minus strand). Cytogenetic location: 9p22.3.
Variant type: single nucleotide variant.
Coding change: c.2170C>T on transcript NM_001379081.2 (MANE Select); coding-DNA position 2170, C replaced by T.
Protein change: p.His724Tyr; replaces histidine 724 with tyrosine.
Molecular consequence: missense variant. On other transcripts: non-coding transcript variant (2).
Genome position (GRCh38, 1-based): chr9:14,823,327, G>A on the plus strand (C>T on the coding strand, the complement: FREM1 is on the minus strand). VCF-style: chr9-14823327-G-A. GRCh37 (hg19) VCF-style: chr9-14823325-G-A.
Other names: c.2170C>T, p.His724Tyr (NM_144966.7); short protein forms H724Y.
Identifiers: ClinVar variation 366149 (VCV000366149.8), dbSNP rs755724341, ClinGen allele CA4991005.
Genomic context (GRCh38, chr9:14,823,327, plus strand): 5'-AATGGGGACCAATGTCTTGCATGGGGGGCATGTAGGCCACTTTCATATAGTTCACAGCAT[G>A]CTGCAAAGTAAGTTGAGATGGATATGTGGGTGCTGACTTGCAAGGATCAAAAGCTTTTAG-3'
Protein context (NP_001366010.1, residues 714-734): TALELRSFTQ[His724Tyr]AVNYMKVAYM

ClinVar aggregate classification (germline): Uncertain significance. Review status: criteria provided, multiple submitters, no conflicts (2 of 4 stars). 3 submissions from 3 submitters: Uncertain significance (2). 1 of the submissions does not count toward it. Last evaluated 2024-04-30.

Conditions:
FREM1-related disorder. Also called: FREM1-Related Disorders; FREM1-related condition.
Oculotrichoanal syndrome (MOTA). Also called: MARLES SYNDROME; Manitoba Oculotrichoanal (MOTA) Syndrome. Identifiers: Orphanet 2717, MedGen C1855425, MONDO:0009560, OMIM 248450.
Trigonocephaly 2 (TRIGNO2). Identifiers: Orphanet 3366, MedGen C3280974, MONDO:0013774, OMIM 614485.
BNAR syndrome. Also called: Bifid Nose With or Without Anorectal and Renal Anomalies (BNAR) Syndrome. Identifiers: Orphanet 217266, MedGen C2750433, MONDO:0012165, OMIM 608980.

Allele frequency attached by ClinVar (database versions not stated): gnomAD exomes 0.00004; TOPMed 0.00002; ExAC 0.00003; gnomAD 0.00001.
gnomAD v4.1: 12 of 1,611,930 alleles (0.00074%); highest among the groups gnomAD compares: Admixed American, 0.018%; no homozygotes.

Submissions (3):

Fulgent Genetics
Classification: Uncertain significance for Oculotrichoanal syndrome; BNAR syndrome; Trigonocephaly 2. Last evaluated: 2024-04-30. Review status: criteria provided, single submitter. Criteria: ACMG Guidelines, 2015. Collection method: clinical testing. Allele origin: germline.

Illumina Laboratory Services, Illumina
Classification: Uncertain significance for Oculotrichoanal syndrome. Last evaluated: 2018-01-12. Review status: criteria provided, single submitter. Criteria: ICSL Variant Classification Criteria 13 December 2019. Collection method: clinical testing. Allele origin: germline.

PreventionGenetics, part of Exact Sciences
Classification: Uncertain significance for FREM1-related condition. Last evaluated: 2024-08-26. Review status: no assertion criteria provided. Collection method: clinical testing. Allele origin: germline. Not counted in ClinVar's aggregate classification.
Comment: The FREM1 c.2170C>T variant is predicted to result in the amino acid substitution p.His724Tyr. To our knowledge, this variant has not been reported in the literature. This variant is reported in 0.017% of alleles in individuals of Latino descent in gnomAD. At this time, the clinical significance of this variant is uncertain due to the absence of conclusive functional and genetic evidence.